The following is an entry in ClinVar:

ClinVar aggregate classification (germline): Uncertain significance. Review status: criteria provided, multiple submitters, no conflicts (2 of 4 stars). 2 submissions from 2 submitters: Uncertain significance (2). Last evaluated 2025-08-21.

Conditions:
Inborn genetic diseases. Identifiers: MedGen C0950123, MeSH D030342.
Deficiency of 3-hydroxyacyl-CoA dehydrogenase. Also called: HADH DEFICIENCY; 3-hydroxyacyl-CoA dehydrogenase deficiency. Identifiers: Orphanet 309127, Orphanet 71212, MedGen C1291230, MONDO:0017715, OMIM 231530.

Allele frequency attached by ClinVar (database versions not stated): ExAC 0.00001; gnomAD 0.00001; gnomAD exomes 0.00001; TOPMed 0.00003.
gnomAD v4.1: 13 of 1,610,624 alleles (0.00081%); highest among the groups gnomAD compares: East Asian, 0.0045%; no homozygotes.

Submissions (2):

Ambry Genetics
Classification: Uncertain significance for Inborn genetic diseases. Last evaluated: 2025-08-21. Review status: criteria provided, single submitter. Criteria: Ambry Variant Classification Scheme 2023. Collection method: clinical testing. Allele origin: germline.

Labcorp Genetics (formerly Invitae), Labcorp
Classification: Uncertain significance for Deficiency of 3-hydroxyacyl-CoA dehydrogenase. Last evaluated: 2022-04-04. Review status: criteria provided, single submitter. Criteria: Invitae Variant Classification Sherloc (09022015). Collection method: clinical testing. Allele origin: germline.
Comment: This sequence change replaces lysine, which is basic and polar, with asparagine, which is neutral and polar, at codon 81 of the HADH protein (p.Lys81Asn). This variant is present in population databases (rs745423719, gnomAD 0.003%). This variant has not been reported in the literature in individuals affected with HADH-related conditions. Algorithms developed to predict the effect of missense changes on protein structure and function are either unavailable or do not agree on the potential impact of this missense change (SIFT: "Deleterious"; PolyPhen-2: "Benign"; Align-GVGD: "Class C0"). In summary, the available evidence is currently insufficient to determine the role of this variant in disease. Therefore, it has been classified as a Variant of Uncertain Significance.

NM_005327.7(HADH):c.243G>T (p.Lys81Asn)

Gene: HADH (hydroxyacyl-CoA dehydrogenase; plus strand). Cytogenetic location: 4q25.
Variant type: single nucleotide variant.
Coding change: c.243G>T on transcript NM_005327.7 (MANE Select); coding-DNA position 243, G replaced by T.
Protein change: p.Lys81Asn; replaces lysine 81 with asparagine.
Molecular consequence: missense variant.
Genome position (GRCh38, 1-based): chr4:108,009,869, G>T. VCF-style: chr4-108009869-G-T. GRCh37 (hg19) VCF-style: chr4-108931025-G-T.
Other names: c.243G>T (NM_005327.4); c.243G>T, p.Lys81Asn (NM_001184705.4); c.255G>T, p.Lys85Asn (NM_001331027.2); short protein forms K81N, K85N.
Identifiers: ClinVar variation 1923245 (VCV001923245.3), dbSNP rs745423719, ClinGen allele CA3037394.
Genomic context (GRCh38, chr4:108,009,869, plus strand): 5'-CATCCTGGCAAAATCCAAAAAGGGAATTGAGGAAAGCCTTAGGAAAGTGGCAAAGAAGAA[G>T]TTTGCAGAAAACCTTAAGGTAATTTCTTATTATCGATGTCTTCAAGACAAGTCCTCTGAC-3'
Protein context (NP_005318.6, residues 71-91): EESLRKVAKK[Lys81Asn]FAENLKAGDE